The following is an entry in ClinVar:

ClinVar aggregate classification (germline): Pathogenic (1 of 4 stars; one submission).

Conditions:
Tuberous sclerosis 2 (TSC2). Identifiers: Orphanet 805, MedGen C1860707, MONDO:0013199, OMIM 613254.

Submission:

Labcorp Genetics (formerly Invitae), Labcorp
Classification: Pathogenic for Tuberous sclerosis 2. Last evaluated: 2024-05-26. Review status: criteria provided, single submitter. Criteria: Invitae Variant Classification Sherloc (09022015). Collection method: clinical testing. Allele origin: germline.
Comment: This sequence change creates a premature translational stop signal (p.Ser879Profs*15) in the TSC2 gene. It is expected to result in an absent or disrupted protein product. Loss-of-function variants in TSC2 are known to be pathogenic (PMID: 10205261, 17304050). This variant is not present in population databases (gnomAD no frequency). This premature translational stop signal has been observed in individual(s) with tuberous sclerosis complex (PMID: 31855466). ClinVar contains an entry for this variant (Variation ID: 1918066). For these reasons, this variant has been classified as Pathogenic.

Literature cited by the submitters: PubMed 10205261; PubMed 17304050; PubMed 31855466.

NM_000548.5(TSC2):c.2634del (p.Ser879fs)

Gene: TSC2 (TSC complex subunit 2; plus strand). Cytogenetic location: 16p13.3.
Variant type: Deletion.
Coding change: c.2634del on transcript NM_000548.5 (MANE Select); coding-DNA position 2634, one base deleted (C; older notation c.2634delC).
Protein change: p.Ser879fs; shifts the reading frame from serine 879.
Molecular consequence: frameshift variant.
Genome position (GRCh38, 1-based): chr16:2,075,887, C deleted; the last of 4 consecutive C bases (chr16:2,075,884-2,075,887); deleting any one gives the same sequence. VCF-style (leftmost placement, unchanged base first): chr16-2075883-AC-A. GRCh37 (hg19) VCF-style: chr16-2125884-AC-A.
Other names: c.2634del, p.Ser879fs (NM_001077183.3, NM_001114382.3, NM_001363528.2 and 3 more transcripts); c.2523del, p.Ser842fs (NM_001318827.2); c.2487del, p.Ser830fs (NM_001318829.2); c.2034del, p.Ser679fs (NM_001318831.2); c.2667del, p.Ser890fs (NM_001318832.2); c.2634delC, p.Ser879Profs (NM_001406663.1, NM_001406664.1, NM_001406665.1); c.2724delC, p.Ser909Profs (NM_001406667.1, NM_001406668.1); c.2523delC, p.Ser842Profs (NM_001406670.1, NM_001406678.1); and 7 more; short protein forms S890fs, S830fs, S842fs, S679fs, S879fs.
Identifiers: ClinVar variation 1918066 (VCV001918066.5), dbSNP rs2543891836, ClinGen allele CA2580090860.